The following is an entry in ClinVar:

ClinVar aggregate classification (germline): Conflicting classifications of pathogenicity. Review status: criteria provided, conflicting classifications (1 of 4 stars). 2 submissions from 2 submitters: Likely pathogenic (1); Uncertain significance (1). Last evaluated 2025-04-28.

Allele frequency attached by ClinVar (database versions not stated): gnomAD exomes below 0.00001.
gnomAD v4.1: 7 of 1,604,188 alleles (0.00044%); highest among the groups gnomAD compares: Non-Finnish European, 0.00051%; no homozygotes.

Submissions (2):

GeneDx
Classification: Uncertain significance. Last evaluated: 2025-04-28. Review status: criteria provided, single submitter. Criteria: GeneDx Variant Classification Process June 2021. Collection method: clinical testing. Allele origin: germline. Affected: yes.
Comment: Not observed at significant frequency in large population cohorts (gnomAD); Stop codon loss and change to a lysine codon, leading to protein extension and the addition of three amino acids at the C-terminus; Has not been previously published as pathogenic or benign to our knowledge

CeGaT Center for Human Genetics Tuebingen
Classification: Likely pathogenic. Last evaluated: 2024-02-01. Review status: criteria provided, single submitter. Criteria: CeGaT Center For Human Genetics Tuebingen Variant Classification Criteria Version 2. Collection method: clinical testing. Allele origin: germline. Affected: yes. Observed: 2 variant alleles.
Comment: TYR: PM2, PM3, PM4

NM_000372.5(TYR):c.1588T>A (p.Ter530Lys)

Gene: TYR (tyrosinase; plus strand). Cytogenetic location: 11q14.3.
Variant type: single nucleotide variant.
Coding change: c.1588T>A on transcript NM_000372.5 (MANE Select); coding-DNA position 1588, T replaced by A.
Protein change: p.Ter530Lys.
Molecular consequence: stop lost.
Genome position (GRCh38, 1-based): chr11:89,295,364, T>A. VCF-style: chr11-89295364-T-A. GRCh37 (hg19) VCF-style: chr11-89028532-T-A.
Identifiers: ClinVar variation 1309026 (VCV001309026.31), dbSNP rs2135332829, ClinGen allele CA382078935.